The following is an entry in ClinVar:

NM_000316.3(PTH1R):c.1226C>T (p.Ser409Phe)

Gene: PTH1R (parathyroid hormone 1 receptor; plus strand). Cytogenetic location: 3p21.31.
Variant type: single nucleotide variant.
Coding change: c.1226C>T on transcript NM_000316.3 (MANE Select); coding-DNA position 1226, C replaced by T.
Protein change: p.Ser409Phe; replaces serine 409 with phenylalanine.
Molecular consequence: missense variant.
Genome position (GRCh38, 1-based): chr3:46,902,540, C>T. VCF-style: chr3-46902540-C-T. GRCh37 (hg19) VCF-style: chr3-46944030-C-T.
Other names: c.1226C>T, p.Ser409Phe (NM_001184744.1); short protein forms S409F.
Identifiers: ClinVar variation 4742163 (VCV004742163.1).

ClinVar aggregate classification (germline): Uncertain significance (1 of 4 stars; one submission).

Submission:

Labcorp Genetics (formerly Invitae), Labcorp
Classification: Uncertain significance. Last evaluated: 2025-08-24. Review status: criteria provided, single submitter. Criteria: Invitae Variant Classification Sherloc (09022015). Collection method: clinical testing. Allele origin: germline.
Comment: This sequence change replaces serine, which is neutral and polar, with phenylalanine, which is neutral and non-polar, at codon 409 of the PTH1R protein (p.Ser409Phe). This variant is not present in population databases (gnomAD no frequency). This variant has not been reported in the literature in individuals affected with PTH1R-related conditions. Invitae Evidence Modeling of protein sequence and biophysical properties (such as structural, functional, and spatial information, amino acid conservation, physicochemical variation, residue mobility, and thermodynamic stability) indicates that this missense variant is expected to disrupt PTH1R protein function with a positive predictive value of 80%. In summary, the available evidence is currently insufficient to determine the role of this variant in disease. Therefore, it has been classified as a Variant of Uncertain Significance.